The following is an entry in ClinVar:

ClinVar aggregate classification (germline): Uncertain significance. Review status: criteria provided, multiple submitters, no conflicts (2 of 4 stars). 4 submissions from 3 submitters: Uncertain significance (4). Last evaluated 2025-06-09.

Conditions:
Developmental and epileptic encephalopathy, 14 (DEE14). Also called: Early infantile epileptic encephalopathy 14. Identifiers: Orphanet 293181, MedGen C3554195, MONDO:0013989, OMIM 614959.
Autosomal dominant nocturnal frontal lobe epilepsy 5. Also called: KCNT1-Related Epilepsy; CILIARY DYSKINESIA, PRIMARY, 28, WITHOUT SITUS INVERSUS; CILIARY DYSKINESIA, PRIMARY, 28, WITH SITUS INVERSUS; Epilepsy, nocturnal frontal lobe, 5. Identifiers: Orphanet 98784, MedGen C3554306, MONDO:0014002, OMIM 615005.

Allele frequency attached by ClinVar (database versions not stated): gnomAD 0.00001; gnomAD exomes 0.00001; TOPMed 0.00001.
gnomAD v4.1: 8 of 1,607,322 alleles (0.0005%); highest among the groups gnomAD compares: Non-Finnish European, 0.00068%; no homozygotes.

Submissions (4):

Labcorp Genetics (formerly Invitae), Labcorp
Classification: Uncertain significance for Autosomal dominant nocturnal frontal lobe epilepsy 5; Developmental and epileptic encephalopathy, 14. Last evaluated: 2025-06-09. Review status: criteria provided, single submitter. Criteria: Invitae Variant Classification Sherloc (09022015). Collection method: clinical testing. Allele origin: germline.
Comment: This sequence change falls in intron 17 of the KCNT1 gene. It does not directly change the encoded amino acid sequence of the KCNT1 protein. It affects a nucleotide within the consensus splice site. This variant is not present in population databases (gnomAD no frequency). This variant has not been reported in the literature in individuals affected with KCNT1-related conditions. ClinVar contains an entry for this variant (Variation ID: 1032867). Variants that disrupt the consensus splice site are a relatively common cause of aberrant splicing (PMID: 17576681, 9536098). Algorithms developed to predict the effect of sequence changes on RNA splicing suggest that this variant is not likely to affect RNA splicing. In summary, the available evidence is currently insufficient to determine the role of this variant in disease. Therefore, it has been classified as a Variant of Uncertain Significance.

Genome-Nilou Lab
Classification: Uncertain significance for Developmental and epileptic encephalopathy, 14. Last evaluated: 2022-03-15. Review status: criteria provided, single submitter. Criteria: ACMG Guidelines, 2015. Collection method: clinical testing. Allele origin: germline. Affected: no.

Genome-Nilou Lab
Classification: Uncertain significance for Autosomal dominant nocturnal frontal lobe epilepsy 5. Last evaluated: 2022-03-15. Review status: criteria provided, single submitter. Criteria: ACMG Guidelines, 2015. Collection method: clinical testing. Allele origin: germline. Affected: no.

Baylor Genetics
Classification: Uncertain significance for Autosomal dominant nocturnal frontal lobe epilepsy 5. Last evaluated: 2018-06-28. Review status: criteria provided, single submitter. Criteria: ACMG Guidelines, 2015. Collection method: clinical testing. Allele origin: paternal. Affected: yes.
Comment: This variant was determined to be of uncertain significance according to ACMG Guidelines, 2015 [PMID:25741868].

Literature cited by the submitters: PubMed 17576681 (cited by Labcorp Genetics (formerly Invitae), Labcorp); PubMed 9536098 (cited by Labcorp Genetics (formerly Invitae), Labcorp).

NM_020822.3(KCNT1):c.1769+6G>A

Gene: KCNT1 (potassium sodium-activated channel subfamily T member 1; plus strand). Cytogenetic location: 9q34.3.
Variant type: single nucleotide variant.
Coding change: c.1769+6G>A on transcript NM_020822.3 (MANE Select); 6 bases into the intron after coding-DNA position 1769, G replaced by A.
Molecular consequence: intron variant.
Genome position (GRCh38, 1-based): chr9:135,770,453, G>A. VCF-style: chr9-135770453-G-A. GRCh37 (hg19) VCF-style: chr9-138662299-G-A.
Other names: c.1634+6G>A (NM_001272003.2).
Identifiers: ClinVar variation 1032867 (VCV001032867.8), dbSNP rs927454585, ClinGen allele CA201472993.
Genomic context (GRCh38, chr9:135,770,453, plus strand): 5'-TCCGCGAGTACGAGGGCAAGAGCTTCACCTACGCGGCCTTCCACGCCCACAAGAAGTAAG[G>A]CCGGGCTGCATCCACAGGGCTGGCGCTCCAGGGCTGCTCTGCTCTGTGCCCTCCCCACCC-3'